The following is an entry in ClinVar:

NM_000098.3(CPT2):c.800C>A (p.Ser267Ter)

Gene: CPT2 (carnitine palmitoyltransferase 2; plus strand). Cytogenetic location: 1p32.3.
Variant type: single nucleotide variant.
Coding change: c.800C>A on transcript NM_000098.3 (MANE Select); coding-DNA position 800, C replaced by A.
Protein change: p.Ser267Ter; replaces serine 267 with a stop codon.
Molecular consequence: nonsense.
Genome position (GRCh38, 1-based): chr1:53,210,474, C>A. VCF-style: chr1-53210474-C-A. GRCh37 (hg19) VCF-style: chr1-53676146-C-A.
Other names: c.800C>A, p.Ser267Ter (NM_001330589.2); short protein forms S267*.
Identifiers: ClinVar variation 3719051 (VCV003719051.2).
Genomic context (GRCh38, chr1:53,210,474, plus strand): 5'-GGAAAGGAAATTTTTATATCTTTGATGTCCTGGATCAAGATGGGAACATTGTGAGCCCCT[C>A]GGAAATCCAGGCACATCTGAAGTACATTCTCTCAGACAGCAGCCCCGCCCCCGAGTTTCC-3'

ClinVar aggregate classification (germline): Pathogenic (1 of 4 stars; one submission).

Conditions:
Carnitine palmitoyltransferase II deficiency. Also called: Carnitine Palmitoyltransferase 2 Deficiency. Identifiers: Orphanet 157, MedGen C0342790, MONDO:0015515.

Submission:

Labcorp Genetics (formerly Invitae), Labcorp
Classification: Pathogenic for Carnitine palmitoyltransferase II deficiency. Last evaluated: 2025-09-09. Review status: criteria provided, single submitter. Criteria: Invitae Variant Classification Sherloc (09022015). Collection method: clinical testing. Allele origin: germline.
Comment: This sequence change creates a premature translational stop signal (p.Ser267*) in the CPT2 gene. It is expected to result in an absent or disrupted protein product. Loss-of-function variants in CPT2 are known to be pathogenic (PMID: 16781677, 16996287). This variant is not present in population databases (gnomAD no frequency). This variant has not been reported in the literature in individuals affected with CPT2-related conditions. ClinVar contains an entry for this variant (Variation ID: 3719051). For these reasons, this variant has been classified as Pathogenic.

Literature cited by the submitters: PubMed 16781677; PubMed 16996287.